The following is an entry in ClinVar:

NM_000135.4(FANCA):c.151C>G (p.Leu51Val)

Gene: FANCA (FA complementation group A; minus strand). Cytogenetic location: 16q24.3.
Variant type: single nucleotide variant.
Coding change: c.151C>G on transcript NM_000135.4 (MANE Select); coding-DNA position 151, C replaced by G.
Protein change: p.Leu51Val; replaces leucine 51 with valine.
Molecular consequence: missense variant.
Genome position (GRCh38, 1-based): chr16:89,815,915, G>C on the plus strand (C>G on the coding strand, the complement: FANCA is on the minus strand). VCF-style: chr16-89815915-G-C. GRCh37 (hg19) VCF-style: chr16-89882323-G-C.
Other names: c.151C>G, p.Leu51Val (NM_001018112.3, NM_001286167.3, NM_001351830.2); short protein forms L51V.
Identifiers: ClinVar variation 1692202 (VCV001692202.2), dbSNP rs1287320584, ClinGen allele CA397483341.
Genomic context (GRCh38, chr16:89,815,915, plus strand): 5'-ACGGACACCAGCTTCCTCTTACCTCAAGCAAAAGGGCATTCAGGTCCTGATGGCTTCGCA[G>C]GAGGCGCACAGCTGATTCCTTTAATTTCTGTGCCCTTTCAGGATTATATTTTTCCCTCTT-3'
Protein context (NP_000126.2, residues 41-61): QKLKESAVRL[Leu51Val]RSHQDLNALL

ClinVar aggregate classification (germline): Uncertain significance. Review status: criteria provided, multiple submitters, no conflicts (2 of 4 stars). 2 submissions from 2 submitters: Uncertain significance (2). Last evaluated 2026-09-05.

Conditions:
Inborn genetic diseases. Identifiers: MedGen C0950123, MeSH D030342.
Fanconi anemia (FA). Also called: Fanconi's anemia. Identifiers: Orphanet 84, MedGen C0015625, MeSH D005199, MONDO:0019391.

gnomAD v4.1: 1 of 1,614,178 alleles (0.000062%); highest among the groups gnomAD compares: Non-Finnish European, 0.000085%; no homozygotes.

Submissions (2):

Ambry Genetics
Classification: Uncertain significance for Inborn genetic diseases. Last evaluated: 2026-09-05. Review status: criteria provided, single submitter. Criteria: Ambry Variant Classification Scheme 2023. Collection method: clinical testing. Allele origin: germline.
Comment: The p.L51V variant (also known as c.151C>G), located in coding exon 2 of the FANCA gene, results from a C to G substitution at nucleotide position 151. The leucine at codon 51 is replaced by valine, an amino acid with highly similar properties. This amino acid position is conserved. In addition, this alteration is predicted to be tolerated by in silico analysis. Based on the available evidence, the clinical significance of this variant remains unclear.

Sema4
Classification: Uncertain significance for Fanconi anemia. Last evaluated: 2022-02-24. Review status: criteria provided, single submitter. Criteria: Sema4 Curation Guidelines. Collection method: curation. Allele origin: germline.
Comment: The FANCA c.151C>G(p.L51V) variant has not been reported in the literature to our knowledge. This variant is not reported in the population database Genome Aggregation Database (PMID: 32461654). The variant has not been reported in ClinVar. Functional studies have not been performed, and in silico predictions of the variant's effect on protein function are inconclusive. The evidence is insufficient to meet ACMG/AMP criteria for classifying the variant as benign or pathogenic. Thus, the clinical significance of this variant is currently uncertain.